The following is an entry in ClinVar:

NM_001267550.2(TTN):c.48790C>G (p.Leu16264Val)

Genes: TTN (titin; minus strand), TTN-AS1 (TTN antisense RNA 1; plus strand), LOC126806426 (BRD4-independent group 4 enhancer GRCh37_chr2:179478848-179480047; plus strand). Cytogenetic location: 2q31.2.
Variant type: single nucleotide variant.
Coding change: c.48790C>G on transcript NM_001267550.2 (MANE Select); coding-DNA position 48790, C replaced by G.
Protein change: p.Leu16264Val; replaces leucine 16264 with valine.
Molecular consequence: missense variant. On other transcripts: non-coding transcript variant (1).
Genome position (GRCh38, 1-based): chr2:178,614,724, G>C on the plus strand (C>G on the coding strand, the complement: TTN is on the minus strand). VCF-style: chr2-178614724-G-C. GRCh37 (hg19) VCF-style: chr2-179479451-G-C.
Other names: c.43867C>G, p.Leu14623Val (NM_001256850.1); c.21595C>G, p.Leu7199Val (NM_003319.4); c.41086C>G, p.Leu13696Val (NM_133378.4); c.21970C>G, p.Leu7324Val (NM_133432.3); c.22171C>G, p.Leu7391Val (NM_133437.4); short protein forms L7199V, L7391V, L13696V, L16264V, L14623V, L7324V.
Identifiers: ClinVar variation 5009271 (VCV005009271.1).

ClinVar aggregate classification (germline): Uncertain significance (1 of 4 stars; one submission).

gnomAD v4.1: 5 of 1,609,768 alleles (0.00031%); highest among the groups gnomAD compares: Admixed American, 0.0084%; no homozygotes.

Submission:

GeneDx
Classification: Uncertain significance. Last evaluated: 2026-03-18. Review status: criteria provided, single submitter. Criteria: GeneDx Variant Classification Process June 2021. Collection method: clinical testing. Allele origin: germline.
Comment: Not observed at significant frequency in large population cohorts (gnomAD); Missense variant in a gene in which most reported pathogenic variants are truncating/loss of function; Has not been previously published as pathogenic or benign to our knowledge